The following is an entry in ClinVar:

NM_005629.4(SLC6A8):c.912+2T>C

Gene: SLC6A8 (solute carrier family 6 member 8; plus strand). Cytogenetic location: Xq28.
Variant type: single nucleotide variant.
Coding change: c.912+2T>C on transcript NM_005629.4 (MANE Select); the canonical splice donor site of the intron after coding-DNA position 912, T replaced by C.
Molecular consequence: splice donor variant.
Genome position (GRCh38, 1-based): chrX:153,693,177, T>C. VCF-style: chrX-153693177-T-C. GRCh37 (hg19) VCF-style: chrX-152958632-T-C.
Other names: c.912+2T>C (NM_001142805.2); c.567+2T>C (NM_001142806.1).
Identifiers: ClinVar variation 2499157 (VCV002499157.28), dbSNP rs2091466607, ClinGen allele CA415084342.

ClinVar aggregate classification (germline): Uncertain significance (1 of 4 stars; one submission).

Submission:

CeGaT Center for Human Genetics Tuebingen
Classification: Uncertain significance. Last evaluated: 2023-04-01. Review status: criteria provided, single submitter. Criteria: CeGaT Center For Human Genetics Tuebingen Variant Classification Criteria Version 2. Collection method: clinical testing. Allele origin: germline. Affected: yes. Observed: 1 variant allele.
Comment: SLC6A8: PM2, PVS1:Moderate, PS1:Supporting